The following is an entry in ClinVar:

ClinVar aggregate classification (germline): Uncertain significance (1 of 4 stars; one submission).

Conditions:
AFF4-related disorder. Also called: AFF4-related condition.

Submission:

PreventionGenetics, part of Exact Sciences
Classification: Uncertain significance for AFF4-related condition. Last evaluated: 2025-07-31. Review status: criteria provided, single submitter. Criteria: ACMG Guidelines, 2015. Collection method: clinical testing. Allele origin: germline.
Comment: The AFF4 c.1611A>C variant is predicted to result in the amino acid substitution p.Gln537His. To our knowledge, this variant has not been reported in the literature or in a large population database (gnomAD), indicating this variant is rare. At this time, the clinical significance of this variant is uncertain due to the absence of conclusive functional and genetic evidence.

NM_014423.4(AFF4):c.1611A>C (p.Gln537His)

Gene: AFF4 (ALF transcription elongation factor 4; minus strand). Cytogenetic location: 5q31.1.
Variant type: single nucleotide variant.
Coding change: c.1611A>C on transcript NM_014423.4 (MANE Select); coding-DNA position 1611, A replaced by C.
Protein change: p.Gln537His; replaces glutamine 537 with histidine.
Molecular consequence: missense variant.
Genome position (GRCh38, 1-based): chr5:132,897,019, T>G on the plus strand (A>C on the coding strand, the complement: AFF4 is on the minus strand). VCF-style: chr5-132897019-T-G. GRCh37 (hg19) VCF-style: chr5-132232711-T-G.
Other names: short protein forms Q537H.
Identifiers: ClinVar variation 4997093 (VCV004997093.1).